The following is an entry in ClinVar:

ClinVar aggregate classification (germline): Pathogenic (1 of 4 stars; one submission).

Conditions:
Hereditary cancer-predisposing syndrome. Also called: Neoplastic Syndromes, Hereditary; Tumor predisposition; Hereditary Cancer Syndrome; Hereditary neoplastic syndrome. Identifiers: Orphanet 140162, MedGen C0027672, MeSH D009386, MONDO:0015356.

Submission:

Ambry Genetics
Classification: Pathogenic for Hereditary cancer-predisposing syndrome. Last evaluated: 2019-06-17. Review status: criteria provided, single submitter. Criteria: Ambry Variant Classification Scheme 2023. Collection method: clinical testing. Allele origin: germline.
Comment: The c.1852delC pathogenic mutation, located in coding exon 11 of the PMS2 gene, results from a deletion of one nucleotide at nucleotide position 1852, causing a translational frameshift with a predicted alternate stop codon (p.L618Wfs*5). This alteration is expected to result in loss of function by premature protein truncation or nonsense-mediated mRNA decay. As such, this alteration is interpreted as a disease-causing mutation.

NM_000535.7(PMS2):c.1852del (p.Leu618fs)

Gene: PMS2 (PMS1 homolog 2, mismatch repair system component; minus strand). Cytogenetic location: 7p22.1.
Variant type: Deletion.
Coding change: c.1852del on transcript NM_000535.7 (MANE Select); coding-DNA position 1852, one base deleted (C; older notation c.1852delC).
Protein change: p.Leu618fs; shifts the reading frame from leucine 618.
Molecular consequence: frameshift variant. On other transcripts: non-coding transcript variant (1).
Genome position (GRCh38, 1-based): chr7:5,986,913, G deleted on the plus strand (C on the coding strand, the reverse complement: PMS2 is on the minus strand); the first of 4 consecutive G bases (chr7:5,986,913-5,986,916); deleting any one gives the same sequence. VCF-style (leftmost placement, unchanged base first): chr7-5986912-AG-A. GRCh37 (hg19) VCF-style: chr7-6026543-AG-A.
Other names: c.1444delC, p.Leu483Trpfs (NM_001018040.1, NM_001406887.1, NM_001406888.1 and 13 more transcripts); c.1447del, p.Leu483fs (NM_001322003.2, NM_001322004.2, NM_001322005.2 and 1 more transcripts); c.1696del, p.Leu566fs (NM_001322006.2); c.1534del, p.Leu512fs (NM_001322007.2, NM_001322008.2); c.1291del, p.Leu431fs (NM_001322010.2); c.919del, p.Leu307fs (NM_001322011.2, NM_001322012.2); c.1279del, p.Leu427fs (NM_001322013.2); c.1852del, p.Leu618fs (NM_001322014.2); and 20 more; short protein forms L427fs, L307fs, L483fs, L512fs, L515fs, L618fs, L431fs, L566fs.
Identifiers: ClinVar variation 1781357 (VCV001781357.2), dbSNP rs2535722923, ClinGen allele CA2580076873.